The following is an entry in ClinVar:

ClinVar aggregate classification (germline): Benign/Likely benign. Review status: criteria provided, multiple submitters, no conflicts (2 of 4 stars). 2 submissions from 2 submitters: Benign (1); Likely benign (1). Last evaluated 2024-04-05.

Conditions:
Platelet-type bleeding disorder 9 (BDPLT9). Also called: GLYCOPROTEIN Ia DEFICIENCY; GP Ia DEFICIENCY; COLLAGEN PLATELET RECEPTOR DEFICIENCY. Identifiers: Orphanet 73271, Orphanet 98886, MedGen C3280114, MONDO:0013622, OMIM 614200.

Allele frequency attached by ClinVar (database versions not stated): ExAC 0.00003; TOPMed 0.00003; gnomAD 0.00004 and 0.00005; gnomAD exomes 0.00005 and 0.00006; 1000 Genomes Project 30x 0.00016; 1000 Genomes Project 0.00020.

Submissions (2):

Blueprint Genetics
Classification: Likely benign. Last evaluated: 2024-04-05. Review status: criteria provided, single submitter. Criteria: ACMG Guidelines, 2015. Collection method: clinical testing. Allele origin: germline.

Illumina Laboratory Services, Illumina
Classification: Benign for Platelet-type bleeding disorder 9. Last evaluated: 2018-01-12. Review status: criteria provided, single submitter. Criteria: ICSL Variant Classification Criteria 13 December 2019. Collection method: clinical testing. Allele origin: germline.
Comment: This variant was observed in the ICSL laboratory as part of a predisposition screen in an ostensibly healthy population. It had not been previously curated by ICSL or reported in the Human Gene Mutation Database (HGMD: prior to June 1st, 2018), and was therefore a candidate for classification through an automated scoring system. Utilizing variant allele frequency, disease prevalence and penetrance estimates, and inheritance mode, an automated score was calculated to assess if this variant is too frequent to cause the disease. Based on the score and internal cut-off values, a variant classified as benign is not then subjected to further curation. The score for this variant resulted in a classification of benign for this disease.

NM_002203.4(ITGA2):c.996C>T (p.Ile332=)

Gene: ITGA2 (integrin subunit alpha 2; plus strand). Cytogenetic location: 5q11.2.
Variant type: single nucleotide variant.
Coding change: c.996C>T on transcript NM_002203.4 (MANE Select); coding-DNA position 996, C replaced by T.
Protein change: p.Ile332=; no amino-acid change (isoleucine 332 retained).
Molecular consequence: synonymous variant. On other transcripts: non-coding transcript variant (5).
Genome position (GRCh38, 1-based): chr5:53,056,049, C>T. VCF-style: chr5-53056049-C-T. GRCh37 (hg19) VCF-style: chr5-52351879-C-T.
Identifiers: ClinVar variation 907872 (VCV000907872.5), dbSNP rs577503636, ClinGen allele CA3262770.